The following is an entry in ClinVar:

NM_003114.5(SPAG1):c.557del (p.Ser186fs)

Gene: SPAG1 (sperm associated antigen 1; plus strand). Cytogenetic location: 8q22.2.
Variant type: Deletion.
Coding change: c.557del on transcript NM_003114.5 (MANE Select); coding-DNA position 557, one base deleted (C; older notation c.557delC).
Protein change: p.Ser186fs; shifts the reading frame from serine 186.
Molecular consequence: frameshift variant.
Genome position (GRCh38, 1-based): chr8:100,184,024, C deleted. VCF-style (leftmost placement, unchanged base first): chr8-100184023-TC-T. GRCh37 (hg19) VCF-style: chr8-101196251-TC-T.
Other names: c.557del, p.Ser186fs (NM_001374321.1, NM_172218.3); short protein forms S186fs.
Identifiers: ClinVar variation 1070816 (VCV001070816.7), dbSNP rs2132258789, ClinGen allele CA2499219093.

ClinVar aggregate classification (germline): Pathogenic (1 of 4 stars; one submission).

Conditions:
Primary ciliary dyskinesia 28. Also called: CILIARY DYSKINESIA, PRIMARY, 28, WITH OR WITHOUT SITUS INVERSUS. Identifiers: Orphanet 244, MedGen C3809706, MONDO:0014216, OMIM 615505.

Submission:

Labcorp Genetics (formerly Invitae), Labcorp
Classification: Pathogenic for Primary ciliary dyskinesia 28. Last evaluated: 2020-08-28. Review status: criteria provided, single submitter. Criteria: Invitae Variant Classification Sherloc (09022015). Collection method: clinical testing. Allele origin: germline.
Comment: For these reasons, this variant has been classified as Pathogenic. Loss-of-function variants in SPAG1 are known to be pathogenic (PMID: 24055112). This variant has not been reported in the literature in individuals with SPAG1-related conditions. This variant is not present in population databases (ExAC no frequency). This sequence change creates a premature translational stop signal (p.Ser186Tyrfs*10) in the SPAG1 gene. It is expected to result in an absent or disrupted protein product.

Literature cited by the submitters: PubMed 24055112.